The following is an entry in ClinVar:

ClinVar aggregate classification (germline): Uncertain significance. Review status: criteria provided, multiple submitters, no conflicts (2 of 4 stars). 6 submissions from 6 submitters: Uncertain significance (5). 1 of the submissions does not count toward it. Last evaluated 2025-11-24.

Conditions:
Fanconi anemia complementation group J. Also called: BRIP1-Related Fanconi Anemia. Identifiers: Orphanet 84, MedGen C1836860, MONDO:0012187, OMIM 609054.
Ovarian cancer. Also called: OVARIAN CANCER, SOMATIC. Identifiers: Orphanet 213500, MedGen C1140680, MONDO:0008170, OMIM 167000.
Hereditary cancer-predisposing syndrome. Also called: Hereditary neoplastic syndrome; Hereditary Cancer Syndrome; Neoplastic Syndromes, Hereditary; Tumor predisposition. Identifiers: Orphanet 140162, MedGen C0027672, MeSH D009386, MONDO:0015356.
Familial cancer of breast. Also called: hereditary breast carcinoma; Hereditary breast cancer; BREAST CANCER, FAMILIAL. Identifiers: Orphanet 227535, MedGen C0346153, MONDO:0016419, OMIM 114480. Disease mechanism: loss of function.

Allele frequency attached by ClinVar (database versions not stated): gnomAD exomes below 0.00001.

Submissions (6):

Labcorp Genetics (formerly Invitae), Labcorp
Classification: Uncertain significance for Familial cancer of breast; Fanconi anemia complementation group J. Last evaluated: 2025-11-24. Review status: criteria provided, single submitter. Criteria: Invitae Variant Classification Sherloc (09022015). Collection method: clinical testing. Allele origin: germline.
Comment: This variant, c.1571_1573del, is a complex sequence change that results in the deletion of 2 and insertion of 1 amino acid(s) in the BRIP1 protein (p.Gln524_Ile525delinsLeu). This variant is not present in population databases (gnomAD no frequency). This variant has not been reported in the literature in individuals affected with BRIP1-related conditions. ClinVar contains an entry for this variant (Variation ID: 421534). Experimental studies and prediction algorithms are not available or were not evaluated, and the functional significance of this variant is currently unknown. In summary, the available evidence is currently insufficient to determine the role of this variant in disease. Therefore, it has been classified as a Variant of Uncertain Significance.

Ambry Genetics
Classification: Uncertain significance for Hereditary cancer-predisposing syndrome. Last evaluated: 2023-05-03. Review status: criteria provided, single submitter. Criteria: Ambry Variant Classification Scheme 2023. Collection method: clinical testing. Allele origin: germline.
Comment: The c.1571_1573delAAA variant (also known as p.Q524_I525delinsL) is located in coding exon 10 of the BRIP1 gene. This variant results from an in-frame AAA deletion at nucleotide positions 1571 to 1573. The glutamine residue at at codon 524 and the isoleucine residue at codon 525 are replaced by a single leucine residue. This amino acid region is well conserved in available vertebrate species. In addition, this alteration is predicted to be deleterious by in silico analysis (Choi Y et al. PLoS ONE. 2012; 7(10):e46688). Since supporting evidence is limited at this time, the clinical significance of this alteration remains unclear.

Myriad Genetics, Inc.
Classification: Uncertain significance for Familial cancer of breast. Last evaluated: 2023-02-27. Review status: criteria provided, single submitter. Criteria: Myriad Autosomal Dominant, Autosomal Recessive and X-Linked Classification Criteria (2023). Collection method: clinical testing. Allele origin: unknown.
Comment: This variant is classified as a variant of uncertain significance as there is insufficient evidence to determine its impact on protein function and/or cancer risk.

Color Diagnostics, LLC DBA Color Health
Classification: Uncertain significance for Hereditary cancer-predisposing syndrome. Last evaluated: 2019-05-14. Review status: criteria provided, single submitter. Criteria: ACMG Guidelines, 2015. Collection method: clinical testing. Allele origin: germline.

GeneDx
Classification: Uncertain significance. Last evaluated: 2016-06-22. Review status: criteria provided, single submitter. Criteria: GeneDx Variant Classification (06012015). Collection method: clinical testing. Allele origin: germline. Affected: yes.
Comment: The c.1571_1573delAAA variant in the BRIP1 gene has not been reported previously as a pathogenic variant, nor as a benign variant, to our knowledge. The c.1571_1573delAAA variant causes an in-frame replacement of codons Glutamine 524 to Isoleucine 525 with a Leucine, denoted p.Gln524_Ile525delinsLeu. The c.1571_1573delAAA variant was not observed in approximately 6500 individuals of European and African American ancestry in the NHLBI Exome Sequencing Project, indicating it is not a common benign variant in these populations. This substitution occurs at a position that is not conserved. We interpret c.1571_1573delAAA as a variant of uncertain significance.

Counsyl
Classification: Uncertain significance for Fanconi anemia complementation group J; Ovarian cancer. Last evaluated: 2017-11-13. Review status: no assertion criteria provided. Collection method: clinical testing. Allele origin: unknown. Not counted in ClinVar's aggregate classification.

NM_032043.3(BRIP1):c.1571_1573del (p.Gln524_Ile525delinsLeu)

Gene: BRIP1 (BRCA1 interacting DNA helicase 1; minus strand). Cytogenetic location: 17q23.2.
Variant type: Deletion.
Coding change: c.1571_1573del on transcript NM_032043.3 (MANE Select); coding-DNA positions 1571 to 1573, 3 bases deleted (AAA; older notation c.1571_1573delAAA).
Protein change: p.Gln524_Ile525delinsLeu.
Molecular consequence: inframe indel.
Genome position (GRCh38, 1-based): chr17:61,784,325-61,784,327, TTT deleted on the plus strand (AAA on the coding strand, the reverse complement: BRIP1 is on the minus strand). VCF-style (leftmost placement, unchanged base first): chr17-61784324-ATTT-A. GRCh37 (hg19) VCF-style: chr17-59861685-ATTT-A.
Other names: c.1571_1573delAAA (NM_032043.2).
Identifiers: ClinVar variation 421534 (VCV000421534.17), dbSNP rs1064795196, ClinGen allele CA16620531.